The following is an entry in ClinVar:

NM_006996.3(SLC19A2):c.807+210T>C

Gene: SLC19A2 (solute carrier family 19 member 2; minus strand). Cytogenetic location: 1q24.2.
Variant type: single nucleotide variant.
Coding change: c.807+210T>C on transcript NM_006996.3 (MANE Select); 210 bases into the intron after coding-DNA position 807, T replaced by C.
Molecular consequence: intron variant.
Genome position (GRCh38, 1-based): chr1:169,476,945, A>G on the plus strand (T>C on the coding strand, the complement: SLC19A2 is on the minus strand). VCF-style: chr1-169476945-A-G. GRCh37 (hg19) VCF-style: chr1-169446183-A-G.
Other names: c.205-6759T>C (NM_001319667.1).
Identifiers: ClinVar variation 683854 (VCV000683854.1), dbSNP rs1983546, ClinGen allele CA10818105.

ClinVar aggregate classification (germline): Benign (1 of 4 stars; one submission).

Allele frequency attached by ClinVar (database versions not stated): gnomAD 0.46706 and 0.47401; TOPMed 0.49794; 1000 Genomes Project 30x 0.60884; 1000 Genomes Project 0.61502.

Submission:

GeneDx
Classification: Benign. Last evaluated: 2018-06-14. Review status: criteria provided, single submitter. Criteria: GeneDx Variant Classification (06012015). Collection method: clinical testing. Allele origin: germline. Affected: yes.
Comment: This variant is considered likely benign or benign based on one or more of the following criteria: it is a conservative change, it occurs at a poorly conserved position in the protein, it is predicted to be benign by multiple in silico algorithms, and/or has population frequency not consistent with disease.